The following is an entry in ClinVar:

NM_016239.4(MYO15A):c.9942C>A (p.Tyr3314Ter)

Gene: MYO15A (myosin XVA; plus strand). Cytogenetic location: 17p11.2.
Variant type: single nucleotide variant.
Coding change: c.9942C>A on transcript NM_016239.4 (MANE Select); coding-DNA position 9942, C replaced by A.
Protein change: p.Tyr3314Ter; replaces tyrosine 3314 with a stop codon.
Molecular consequence: nonsense.
Genome position (GRCh38, 1-based): chr17:18,166,515, C>A. VCF-style: chr17-18166515-C-A. GRCh37 (hg19) VCF-style: chr17-18069829-C-A.
Other names: short protein forms Y3314*.
Identifiers: ClinVar variation 3075905 (VCV003075905.1), dbSNP rs2545325366, ClinGen allele CA398642380.

ClinVar aggregate classification (germline): Likely pathogenic (1 of 4 stars; one submission).

Conditions:
Rare genetic deafness. Identifiers: Orphanet 96210, MedGen C5680250.

Submission:

Laboratory for Molecular Medicine, Mass General Brigham Personalized Medicine
Classification: Likely pathogenic for Rare genetic deafness. Last evaluated: 2022-11-03. Review status: criteria provided, single submitter. Criteria: ACMG Guidelines, 2015. Collection method: clinical testing. Allele origin: germline.
Comment: The p.Tyr3314X variant in MYO15A has not been reported in individuals with nonsyndromic hearing loss and was absent from large population studies. This nonsense variant leads to a premature termination codon at position 3314, which is predicted to lead to a truncated or absent protein. Loss of function of the MYO15A gene is an established disease mechanism in autosomal recessive nonsyndromic hearing loss. In summary, although additional studies are required to fully establish its clinical significance, this variant meets criteria to be classified as likely pathogenic for autosomal recessive nonsyndromic hearing loss. ACMG/AMP Criteria applied: PM2_supporting, PVS1.